The following is an entry in ClinVar:

NM_015338.6(ASXL1):c.1942G>A (p.Gly648Ser)

Gene: ASXL1 (ASXL transcriptional regulator 1; plus strand). Cytogenetic location: 20q11.21.
Variant type: single nucleotide variant.
Coding change: c.1942G>A on transcript NM_015338.6 (MANE Select); coding-DNA position 1942, G replaced by A.
Protein change: p.Gly648Ser; replaces glycine 648 with serine.
Molecular consequence: missense variant.
Genome position (GRCh38, 1-based): chr20:32,434,654, G>A. VCF-style: chr20-32434654-G-A. GRCh37 (hg19) VCF-style: chr20-31022457-G-A.
Other names: c.1759G>A, p.Gly587Ser (NM_001363734.1); short protein forms G587S, G648S.
Identifiers: ClinVar variation 4158380 (VCV004158380.1).

ClinVar aggregate classification (germline): Uncertain significance (1 of 4 stars; one submission).

Conditions:
Inborn genetic diseases. Identifiers: MedGen C0950123, MeSH D030342.

Submission:

Ambry Genetics
Classification: Uncertain significance for Inborn genetic diseases. Last evaluated: 2025-07-20. Review status: criteria provided, single submitter. Criteria: Ambry Variant Classification Scheme 2023. Collection method: clinical testing. Allele origin: germline.
Comment: The p.G648S variant (also known as c.1942G>A), located in coding exon 13 of the ASXL1 gene, results from a G to A substitution at nucleotide position 1942. The glycine at codon 648 is replaced by serine, an amino acid with similar properties. This amino acid position is conserved. In addition, this alteration is predicted to be tolerated by in silico analysis. Based on the available evidence, the clinical significance of this variant remains unclear.